The following is an entry in ClinVar:

ClinVar aggregate classification (germline): Uncertain significance (1 of 4 stars; one submission).

Submission:

Ambry Genetics
Classification: Uncertain significance. Last evaluated: 2022-01-18. Review status: criteria provided, single submitter. Criteria: Ambry Variant Classification Scheme 2023. Collection method: clinical testing. Allele origin: germline.
Comment: The p.S2129N variant (also known as c.6386G>A), located in coding exon 20 of the POLQ gene, results from a G to A substitution at nucleotide position 6386. The serine at codon 2129 is replaced by asparagine, an amino acid with highly similar properties. This amino acid position is conserved. In addition, the in silico prediction for this alteration is inconclusive. Since supporting evidence is limited at this time, the clinical significance of this alteration remains unclear.

NM_199420.4(POLQ):c.6386G>A (p.Ser2129Asn)

Gene: POLQ (DNA polymerase theta; minus strand). Cytogenetic location: 3q13.33.
Variant type: single nucleotide variant.
Coding change: c.6386G>A on transcript NM_199420.4 (MANE Select); coding-DNA position 6386, G replaced by A.
Protein change: p.Ser2129Asn; replaces serine 2129 with asparagine.
Molecular consequence: missense variant.
Genome position (GRCh38, 1-based): chr3:121,476,559, C>T on the plus strand (G>A on the coding strand, the complement: POLQ is on the minus strand). VCF-style: chr3-121476559-C-T. GRCh37 (hg19) VCF-style: chr3-121195406-C-T.
Other names: short protein forms S2129N.
Identifiers: ClinVar variation 1753190 (VCV001753190.2), dbSNP rs2546777076, ClinGen allele CA354086809.